The following is an entry in ClinVar:

NM_001734.5(C1S):c.2032A>G (p.Thr678Ala)

Gene: C1S (complement C1s; plus strand). Cytogenetic location: 12p13.31.
Variant type: single nucleotide variant.
Coding change: c.2032A>G on transcript NM_001734.5 (MANE Select); coding-DNA position 2032, A replaced by G.
Protein change: p.Thr678Ala; replaces threonine 678 with alanine.
Molecular consequence: missense variant.
Genome position (GRCh38, 1-based): chr12:7,070,616, A>G. VCF-style: chr12-7070616-A-G. GRCh37 (hg19) VCF-style: chr12-7177920-A-G.
Other names: c.1531A>G, p.Thr511Ala (NM_001346850.2); c.2032A>G, p.Thr678Ala (NM_201442.4); short protein forms T511A, T678A.
Identifiers: ClinVar variation 3633020 (VCV003633020.2).

ClinVar aggregate classification (germline): Uncertain significance (1 of 4 stars; one submission).

Submission:

Labcorp Genetics (formerly Invitae), Labcorp
Classification: Uncertain significance. Last evaluated: 2024-02-01. Review status: criteria provided, single submitter. Criteria: Invitae Variant Classification Sherloc (09022015). Collection method: clinical testing. Allele origin: germline.
Comment: This sequence change replaces threonine, which is neutral and polar, with alanine, which is neutral and non-polar, at codon 678 of the C1S protein (p.Thr678Ala). This variant is not present in population databases (gnomAD no frequency). This variant has not been reported in the literature in individuals affected with C1S-related conditions. Advanced modeling of protein sequence and biophysical properties (such as structural, functional, and spatial information, amino acid conservation, physicochemical variation, residue mobility, and thermodynamic stability) performed at Invitae indicates that this missense variant is expected to disrupt C1S protein function with a positive predictive value of 80%. In summary, the available evidence is currently insufficient to determine the role of this variant in disease. Therefore, it has been classified as a Variant of Uncertain Significance.